The following is an entry in ClinVar:

ClinVar aggregate classification (germline): Conflicting classifications of pathogenicity. Review status: criteria provided, conflicting classifications (1 of 4 stars). 4 submissions from 4 submitters: Uncertain significance (1); Benign (1); Likely benign (1). 1 of the submissions does not count toward it. Last evaluated 2026-01-25.

Conditions:
IFT140-related disorder. Also called: IFT140-related condition.
Saldino-Mainzer syndrome (SRTD9). Also called: CONORENAL SYNDROME; SHORT-RIB THORACIC DYSPLASIA 9 WITHOUT POLYDACTYLY; short-rib thoracic dysplasia 9 with or without polydactyly; Renal dysplasia, retinal pigmentary dystrophy, cerebellar ataxia and skeletal dysplasia. Identifiers: Orphanet 140969, MedGen C1849437, MONDO:0009964, OMIM 266920.

Allele frequency attached by ClinVar (database versions not stated): 1000 Genomes Project 30x 0.00016; 1000 Genomes Project 0.00020; gnomAD exomes 0.00082 and 0.00181; gnomAD 0.00115 and 0.00120; TOPMed 0.00124; ESP Exome Variant Server 0.00138; ExAC 0.00143.
gnomAD v4.1: 1,484 of 1,614,152 alleles (0.092%); highest among the groups gnomAD compares: Middle Eastern, 0.16%; 24 homozygotes.

Submissions (4):

Labcorp Genetics (formerly Invitae), Labcorp
Classification: Benign for Saldino-Mainzer syndrome. Last evaluated: 2026-01-25. Review status: criteria provided, single submitter. Criteria: Invitae Variant Classification Sherloc (09022015). Collection method: clinical testing. Allele origin: germline.

CeGaT Center for Human Genetics Tuebingen
Classification: Likely benign. Last evaluated: 2025-03-01. Review status: criteria provided, single submitter. Criteria: CeGaT Center For Human Genetics Tuebingen Variant Classification Criteria Version 2. Collection method: clinical testing. Allele origin: germline. Affected: yes. Observed: 4 variant alleles.
Comment: IFT140: BP4

Illumina Laboratory Services, Illumina
Classification: Uncertain significance for Saldino-Mainzer syndrome. Last evaluated: 2018-01-13. Review status: criteria provided, single submitter. Criteria: ICSL Variant Classification Criteria 13 December 2019. Collection method: clinical testing. Allele origin: germline.

PreventionGenetics, part of Exact Sciences
Classification: Benign for IFT140-related condition. Last evaluated: 2019-11-15. Review status: no assertion criteria provided. Collection method: clinical testing. Allele origin: germline. Not counted in ClinVar's aggregate classification.
Comment: This variant is classified as benign based on ACMG/AMP sequence variant interpretation guidelines (Richards et al. 2015 PMID: 25741868, with internal and published modifications).

NM_014714.4(IFT140):c.546C>T (p.Asp182=)

Genes: IFT140 (intraflagellar transport 140; minus strand), LOC105371046 (uncharacterized LOC105371046; plus strand). Cytogenetic location: 16p13.3.
Variant type: single nucleotide variant.
Coding change: c.546C>T on transcript NM_014714.4 (MANE Select); coding-DNA position 546, C replaced by T.
Protein change: p.Asp182=; no amino-acid change (aspartic acid 182 retained).
Molecular consequence: synonymous variant.
Genome position (GRCh38, 1-based): chr16:1,592,264, G>A on the plus strand (C>T on the coding strand, the complement: IFT140 is on the minus strand). VCF-style: chr16-1592264-G-A. GRCh37 (hg19) VCF-style: chr16-1642265-G-A.
Identifiers: ClinVar variation 318210 (VCV000318210.55), dbSNP rs150014480, ClinGen allele CA7814662.